The following is an entry in ClinVar:

ClinVar aggregate classification (germline): Uncertain significance (1 of 4 stars; one submission).

gnomAD v4.1: 3 of 1,527,124 alleles (0.0002%); highest among the groups gnomAD compares: East Asian, 0.0025%; no homozygotes.

Submission:

Labcorp Genetics (formerly Invitae), Labcorp
Classification: Uncertain significance. Last evaluated: 2025-02-26. Review status: criteria provided, single submitter. Criteria: Invitae Variant Classification Sherloc (09022015). Collection method: clinical testing. Allele origin: germline.
Comment: This sequence change replaces glycine, which is neutral and non-polar, with aspartic acid, which is acidic and polar, at codon 2 of the SLC25A4 protein (p.Gly2Asp). This variant is present in population databases (no rsID available, gnomAD 0.004%). This variant has not been reported in the literature in individuals affected with SLC25A4-related conditions. An algorithm developed to predict the effect of missense changes on protein structure and function (PolyPhen-2) suggests that this variant is likely to be tolerated. In summary, the available evidence is currently insufficient to determine the role of this variant in disease. Therefore, it has been classified as a Variant of Uncertain Significance.

NM_001151.4(SLC25A4):c.5G>A (p.Gly2Asp)

Gene: SLC25A4 (solute carrier family 25 member 4; plus strand). Cytogenetic location: 4q35.1.
Variant type: single nucleotide variant.
Coding change: c.5G>A on transcript NM_001151.4 (MANE Select); coding-DNA position 5, G replaced by A.
Protein change: p.Gly2Asp; replaces glycine 2 with aspartic acid.
Molecular consequence: missense variant.
Genome position (GRCh38, 1-based): chr4:185,143,377, G>A. VCF-style: chr4-185143377-G-A. GRCh37 (hg19) VCF-style: chr4-186064531-G-A.
Other names: short protein forms G2D.
Identifiers: ClinVar variation 3712735 (VCV003712735.2).